The following is an entry in ClinVar:

ClinVar aggregate classification (germline): Uncertain significance. Review status: criteria provided, multiple submitters, no conflicts (2 of 4 stars). 2 submissions from 2 submitters: Uncertain significance (2). Last evaluated 2025-05-23.

Conditions:
Inborn genetic diseases. Identifiers: MedGen C0950123, MeSH D030342.

Allele frequency attached by ClinVar (database versions not stated): TOPMed below 0.00001.

Submissions (2):

Ambry Genetics
Classification: Uncertain significance for Inborn genetic diseases. Last evaluated: 2025-05-23. Review status: criteria provided, single submitter. Criteria: Ambry Variant Classification Scheme 2023. Collection method: clinical testing. Allele origin: germline.

Labcorp Genetics (formerly Invitae), Labcorp
Classification: Uncertain significance. Last evaluated: 2022-07-12. Review status: criteria provided, single submitter. Criteria: Invitae Variant Classification Sherloc (09022015). Collection method: clinical testing. Allele origin: germline.
Comment: In summary, the available evidence is currently insufficient to determine the role of this variant in disease. Therefore, it has been classified as a Variant of Uncertain Significance. Algorithms developed to predict the effect of missense changes on protein structure and function (SIFT, PolyPhen-2, Align-GVGD) all suggest that this variant is likely to be tolerated. This variant has not been reported in the literature in individuals affected with PIGB-related conditions. This variant is not present in population databases (gnomAD no frequency). This sequence change replaces lysine, which is basic and polar, with glutamic acid, which is acidic and polar, at codon 163 of the PIGB protein (p.Lys163Glu).

NM_004855.5(PIGB):c.487A>G (p.Lys163Glu)

Gene: PIGB (phosphatidylinositol glycan anchor biosynthesis class B; plus strand). Cytogenetic location: 15q21.3.
Variant type: single nucleotide variant.
Coding change: c.487A>G on transcript NM_004855.5 (MANE Select); coding-DNA position 487, A replaced by G.
Protein change: p.Lys163Glu; replaces lysine 163 with glutamic acid.
Molecular consequence: missense variant.
Genome position (GRCh38, 1-based): chr15:55,327,600, A>G. VCF-style: chr15-55327600-A-G. GRCh37 (hg19) VCF-style: chr15-55619798-A-G.
Other names: c.487A>G (NM_004855.4); short protein forms K163E.
Identifiers: ClinVar variation 1964730 (VCV001964730.4), dbSNP rs2055322061, ClinGen allele CA392541909.
Genomic context (GRCh38, chr15:55,327,600, plus strand): 5'-CCTAGACTTGCCCAAGCACTTCTGTCTGCTGTAGCAGATGTGAGACTTTACTCATTAATG[A>G]AGCAACTAGAAAATCAGGAAGTGGCAAGATGGGTGGTAAGTCCTAAATACTTTAGAAGCT-3'
Protein context (NP_004846.4, residues 153-173): VADVRLYSLM[Lys163Glu]QLENQEVARW